The following is an entry in ClinVar:

ClinVar aggregate classification (germline): Uncertain significance (1 of 4 stars; one submission).

Conditions:
Focal segmental glomerulosclerosis 5 (FSGS5). Identifiers: Orphanet 656, MedGen C2750475, MONDO:0013191, OMIM 613237.
Charcot-Marie-Tooth disease dominant intermediate E. Also called: CHARCOT-MARIE-TOOTH NEUROPATHY WITH FOCAL SEGMENTAL GLOMERULONEPHRITIS. Identifiers: Orphanet 93114, MedGen C4302667, MONDO:0013758, OMIM 614455.

Submission:

Labcorp Genetics (formerly Invitae), Labcorp
Classification: Uncertain significance for Charcot-Marie-Tooth disease dominant intermediate E; Focal segmental glomerulosclerosis 5. Last evaluated: 2024-08-01. Review status: criteria provided, single submitter. Criteria: Invitae Variant Classification Sherloc (09022015). Collection method: clinical testing. Allele origin: germline.
Comment: This sequence change creates a premature translational stop signal (p.Val530Argfs*50) in the INF2 gene. It is expected to result in an absent or disrupted protein product. However, the current clinical and genetic evidence is not sufficient to establish whether loss-of-function variants in INF2 cause disease. The frequency data for this variant in the population databases is considered unreliable, as metrics indicate poor data quality at this position in the gnomAD database. This premature translational stop signal has been observed in individuals with INF2-related conditions (PMID: 36685964; Invitae). ClinVar contains an entry for this variant (Variation ID: 653074). Algorithms developed to predict the effect of sequence changes on RNA splicing suggest that this variant may create or strengthen a splice site. In summary, the available evidence is currently insufficient to determine the role of this variant in disease. Therefore, it has been classified as a Variant of Uncertain Significance.

Literature cited by the submitters: PubMed 36685964.

NM_022489.4(INF2):c.1587dup (p.Val530fs)

Gene: INF2 (inverted formin 2; plus strand). Cytogenetic location: 14q32.33.
Variant type: Duplication.
Coding change: c.1587dup on transcript NM_022489.4 (MANE Select); coding-DNA position 1587, one base duplicated (C; older notation c.1587dupC).
Protein change: p.Val530fs; shifts the reading frame from valine 530.
Molecular consequence: frameshift variant.
Genome position (GRCh38, 1-based): chr14:104,707,854, C duplicated; the last of 7 consecutive C bases (chr14:104,707,848-104,707,854); duplicating any one gives the same sequence. VCF-style (leftmost placement, unchanged base first): chr14-104707847-G-GC. GRCh37 (hg19) VCF-style: chr14-105174184-G-GC.
Other names: c.1587dup, p.Val530fs (NM_001031714.4); short protein forms V530fs.
Identifiers: ClinVar variation 653074 (VCV000653074.7), dbSNP rs748929807, ClinGen allele CA7372593.